The following is an entry in ClinVar:

NM_001330078.2(NRXN1):c.739C>G (p.Arg247Gly)

Gene: NRXN1 (neurexin 1; minus strand). Cytogenetic location: 2p16.3.
Variant type: single nucleotide variant.
Coding change: c.739C>G on transcript NM_001330078.2 (MANE Select); coding-DNA position 739, C replaced by G.
Protein change: p.Arg247Gly; replaces arginine 247 with glycine.
Molecular consequence: missense variant.
Genome position (GRCh38, 1-based): chr2:51,027,535, G>C on the plus strand (C>G on the coding strand, the complement: NRXN1 is on the minus strand). VCF-style: chr2-51027535-G-C. GRCh37 (hg19) VCF-style: chr2-51254673-G-C.
Other names: p.R247G:CGA>GGA; c.739C>G, p.Arg247Gly (NM_001135659.3, NM_001330077.2, NM_001330079.2 and 15 more transcripts); short protein forms R247G.
Identifiers: ClinVar variation 206257 (VCV000206257.14), dbSNP rs200009780, ClinGen allele CA316161.

ClinVar aggregate classification (germline): Uncertain significance. Review status: criteria provided, multiple submitters, no conflicts (2 of 4 stars). 3 submissions from 3 submitters: Uncertain significance (3). Last evaluated 2025-11-02.

Conditions:
Pitt-Hopkins-like syndrome 2 (PTHSL2). Identifiers: Orphanet 221150, Orphanet 600663, MedGen C3280479, MONDO:0013690, OMIM 614325.
Intellectual disability. Also called: Intellectual functioning disability; Intellectual developmental disorder; intellectual disabilities. Identifiers: MedGen C3714756, MeSH D008607, MONDO:0001071, HP:0001249.

Allele frequency attached by ClinVar (database versions not stated): gnomAD 0.00001 and 0.00003; gnomAD exomes 0.00011 and 0.00015; TOPMed 0.00002; ExAC 0.00015.
gnomAD v4.1: 148 of 1,561,120 alleles (0.0095%); highest among the groups gnomAD compares: South Asian, 0.12%; 1 homozygote.

Submissions (3):

Labcorp Genetics (formerly Invitae), Labcorp
Classification: Uncertain significance for Pitt-Hopkins-like syndrome 2. Last evaluated: 2025-11-02. Review status: criteria provided, single submitter. Criteria: Invitae Variant Classification Sherloc (09022015). Collection method: clinical testing. Allele origin: germline.
Comment: This sequence change replaces arginine, which is basic and polar, with glycine, which is neutral and non-polar, at codon 247 of the NRXN1 protein (p.Arg247Gly). This variant is present in population databases (rs200009780, gnomAD 0.1%). This variant has not been reported in the literature in individuals affected with NRXN1-related conditions. ClinVar contains an entry for this variant (Variation ID: 206257). An algorithm developed to predict the effect of missense changes on protein structure and function (PolyPhen-2) suggests that this variant is likely to be tolerated. In summary, the available evidence is currently insufficient to determine the role of this variant in disease. Therefore, it has been classified as a Variant of Uncertain Significance.

GeneDx
Classification: Uncertain significance. Last evaluated: 2022-04-08. Review status: criteria provided, single submitter. Criteria: GeneDx Variant Classification Process June 2021. Collection method: clinical testing. Allele origin: germline. Affected: yes.
Comment: In silico analysis supports that this missense variant does not alter protein structure/function; Has not been previously published as pathogenic or benign to our knowledge

Diagnostic Laboratory, Strasbourg University Hospital
Classification: Uncertain significance for Intellectual disability. Last evaluated: 2020-04-20. Review status: criteria provided, single submitter. Criteria: ACMG Guidelines, 2015. Collection method: clinical testing. Allele origin: biparental. Affected: yes. Observed: 1 homozygote.